The following is an entry in ClinVar:

ClinVar aggregate classification (germline): Uncertain significance (1 of 4 stars; one submission).

gnomAD v4.1: 1 of 1,614,110 alleles (0.000062%); no homozygotes.

Submission:

Labcorp Genetics (formerly Invitae), Labcorp
Classification: Uncertain significance. Last evaluated: 2023-01-22. Review status: criteria provided, single submitter. Criteria: Invitae Variant Classification Sherloc (09022015). Collection method: clinical testing. Allele origin: germline.
Comment: In summary, the available evidence is currently insufficient to determine the role of this variant in disease. Therefore, it has been classified as a Variant of Uncertain Significance. Algorithms developed to predict the effect of missense changes on protein structure and function output the following: SIFT: "Tolerated"; PolyPhen-2: "Benign"; Align-GVGD: "Class C0". The valine amino acid residue is found in multiple mammalian species, which suggests that this missense change does not adversely affect protein function. This variant has not been reported in the literature in individuals affected with TET2-related conditions. This variant is not present in population databases (gnomAD no frequency). This sequence change replaces isoleucine, which is neutral and non-polar, with valine, which is neutral and non-polar, at codon 249 of the TET2 protein (p.Ile249Val).

NM_001127208.3(TET2):c.745A>G (p.Ile249Val)

Genes: TET2 (tet methylcytosine dioxygenase 2; plus strand), TET2-AS1 (TET2 antisense RNA 1; minus strand). Cytogenetic location: 4q24.
Variant type: single nucleotide variant.
Coding change: c.745A>G on transcript NM_001127208.3 (MANE Select); coding-DNA position 745, A replaced by G.
Protein change: p.Ile249Val; replaces isoleucine 249 with valine.
Molecular consequence: missense variant.
Genome position (GRCh38, 1-based): chr4:105,234,687, A>G. VCF-style: chr4-105234687-A-G. GRCh37 (hg19) VCF-style: chr4-106155844-A-G.
Other names: c.745A>G, p.Ile249Val (NM_017628.4); short protein forms I249V.
Identifiers: ClinVar variation 2793149 (VCV002793149.3), dbSNP rs2476483192, ClinGen allele CA357792862.
Genomic context (GRCh38, chr4:105,234,687, plus strand): 5'-ACACTGTCTCAATATTATCCAGATTGTGTTTCCATTGCGGTGCAGAAAACCACATCTCAC[A>G]TAAATGCCATTAACAGTCAGGCTACTAATGAGTTGTCCTGTGAGATCACTCACCCATCGC-3'
Protein context (NP_001120680.1, residues 239-259): SIAVQKTTSH[Ile249Val]NAINSQATNE